The following is an entry in ClinVar:

ClinVar aggregate classification (germline): Uncertain significance (1 of 4 stars; one submission).

Allele frequency attached by ClinVar (database versions not stated): gnomAD exomes below 0.00001; gnomAD 0.00001; ExAC 0.00002; TOPMed 0.00003; 1000 Genomes Project 30x 0.00016; 1000 Genomes Project 0.00020.

Submission:

Labcorp Genetics (formerly Invitae), Labcorp
Classification: Uncertain significance. Last evaluated: 2025-04-17. Review status: criteria provided, single submitter. Criteria: Invitae Variant Classification Sherloc (09022015). Collection method: clinical testing. Allele origin: germline.
Comment: This sequence change replaces glutamic acid, which is acidic and polar, with lysine, which is basic and polar, at codon 177 of the PDZD7 protein (p.Glu177Lys). This variant is present in population databases (rs547855917, gnomAD 0.007%). This variant has not been reported in the literature in individuals affected with PDZD7-related conditions. ClinVar contains an entry for this variant (Variation ID: 1965462). Invitae Evidence Modeling of protein sequence and biophysical properties (such as structural, functional, and spatial information, amino acid conservation, physicochemical variation, residue mobility, and thermodynamic stability) indicates that this missense variant is not expected to disrupt PDZD7 protein function with a negative predictive value of 80%. In summary, the available evidence is currently insufficient to determine the role of this variant in disease. Therefore, it has been classified as a Variant of Uncertain Significance.

NM_001195263.2(PDZD7):c.529G>A (p.Glu177Lys)

Gene: PDZD7 (PDZ domain containing 7; minus strand). Cytogenetic location: 10q24.31.
Variant type: single nucleotide variant.
Coding change: c.529G>A on transcript NM_001195263.2 (MANE Select); coding-DNA position 529, G replaced by A.
Protein change: p.Glu177Lys; replaces glutamic acid 177 with lysine.
Molecular consequence: missense variant.
Genome position (GRCh38, 1-based): chr10:101,023,449, C>T on the plus strand (G>A on the coding strand, the complement: PDZD7 is on the minus strand). VCF-style: chr10-101023449-C-T. GRCh37 (hg19) VCF-style: chr10-102783206-C-T.
Other names: c.529G>A, p.Glu177Lys (NM_001351044.2, NM_024895.5); short protein forms E177K.
Identifiers: ClinVar variation 1965462 (VCV001965462.3), dbSNP rs547855917, ClinGen allele CA5654360.